The following is an entry in ClinVar:

NM_001876.4(CPT1A):c.1301C>T (p.Thr434Met)

Genes: CPT1A (carnitine palmitoyltransferase 1A; minus strand), LOC126861244 (BRD4-independent group 4 enhancer GRCh37_chr11:68549035-68550234; plus strand). Cytogenetic location: 11q13.3.
Variant type: single nucleotide variant.
Coding change: c.1301C>T on transcript NM_001876.4 (MANE Select); coding-DNA position 1301, C replaced by T.
Protein change: p.Thr434Met; replaces threonine 434 with methionine.
Molecular consequence: missense variant.
Genome position (GRCh38, 1-based): chr11:68,781,822, G>A on the plus strand (C>T on the coding strand, the complement: CPT1A is on the minus strand). VCF-style: chr11-68781822-G-A. GRCh37 (hg19) VCF-style: chr11-68549290-G-A.
Other names: c.1301C>T, p.Thr434Met (NM_001031847.3); short protein forms T434M.
Identifiers: ClinVar variation 2179508 (VCV002179508.1), dbSNP rs917483960, ClinGen allele CA223374240.

ClinVar aggregate classification (germline): Uncertain significance (1 of 4 stars; one submission).

Conditions:
Carnitine palmitoyl transferase 1A deficiency. Also called: CPT I DEFICIENCY; CPT DEFICIENCY, HEPATIC, TYPE I; Carnitine palmitoyltransferase type I deficiency; Carnitine palmitoyltransferase 1A deficiency; CPT deficiency, hepatic, type IA. Identifiers: Orphanet 156, MedGen C1829703, MONDO:0009705, OMIM 255120.

Allele frequency attached by ClinVar (database versions not stated): gnomAD exomes below 0.00001; gnomAD 0.00001.
gnomAD v4.1: 6 of 1,613,984 alleles (0.00037%); highest among the groups gnomAD compares: Middle Eastern, 0.016%; no homozygotes.

Submission:

Labcorp Genetics (formerly Invitae), Labcorp
Classification: Uncertain significance for Carnitine palmitoyl transferase 1A deficiency. Last evaluated: 2022-07-21. Review status: criteria provided, single submitter. Criteria: Invitae Variant Classification Sherloc (09022015). Collection method: clinical testing. Allele origin: germline.
Comment: This sequence change replaces threonine, which is neutral and polar, with methionine, which is neutral and non-polar, at codon 434 of the CPT1A protein (p.Thr434Met). This variant is present in population databases (no rsID available, gnomAD 0.01%). This variant has not been reported in the literature in individuals affected with CPT1A-related conditions. Algorithms developed to predict the effect of missense changes on protein structure and function output the following: SIFT: "Tolerated"; PolyPhen-2: "Benign"; Align-GVGD: "Class C0". The methionine amino acid residue is found in multiple mammalian species, which suggests that this missense change does not adversely affect protein function. In summary, the available evidence is currently insufficient to determine the role of this variant in disease. Therefore, it has been classified as a Variant of Uncertain Significance.